The following is an entry in ClinVar:

NM_001004334.4(GPR179):c.1646-1G>C

Gene: GPR179 (G protein-coupled receptor 179; minus strand). Cytogenetic location: 17q12.
Variant type: single nucleotide variant.
Coding change: c.1646-1G>C on transcript NM_001004334.4 (MANE Select); the canonical splice acceptor site of the intron before coding-DNA position 1646, G replaced by C.
Molecular consequence: splice acceptor variant.
Genome position (GRCh38, 1-based): chr17:38,334,843, C>G on the plus strand (G>C on the coding strand, the complement: GPR179 is on the minus strand). VCF-style: chr17-38334843-C-G. GRCh37 (hg19) VCF-style: chr17-36490726-C-G.
Identifiers: ClinVar variation 2693310 (VCV002693310.3), dbSNP rs2512167144, ClinGen allele CA398886319.

ClinVar aggregate classification (germline): Likely pathogenic (1 of 4 stars; one submission).

Submission:

Labcorp Genetics (formerly Invitae), Labcorp
Classification: Likely pathogenic. Last evaluated: 2023-11-18. Review status: criteria provided, single submitter. Criteria: Invitae Variant Classification Sherloc (09022015). Collection method: clinical testing. Allele origin: germline.
Comment: This sequence change affects an acceptor splice site in intron 7 of the GPR179 gene. It is expected to disrupt RNA splicing. Variants that disrupt the donor or acceptor splice site typically lead to a loss of protein function (PMID: 16199547), and loss-of-function variants in GPR179 are known to be pathogenic (PMID: 22325361, 22325362). This variant is not present in population databases (gnomAD no frequency). This variant has not been reported in the literature in individuals affected with GPR179-related conditions. Algorithms developed to predict the effect of sequence changes on RNA splicing suggest that this variant may disrupt the consensus splice site. In summary, the currently available evidence indicates that the variant is pathogenic, but additional data are needed to prove that conclusively. Therefore, this variant has been classified as Likely Pathogenic.

Literature cited by the submitters: PubMed 16199547; PubMed 22325361; PubMed 22325362.